The following is an entry in ClinVar:

ClinVar aggregate classification (germline): Uncertain significance (1 of 4 stars; one submission).

Conditions:
Ciliary dyskinesia, primary, 37 (CILD37). Also called: CILIARY DYSKINESIA, PRIMARY, 37, WITH OR WITHOUT SITUS INVERSUS. Identifiers: MedGen C4539798, MONDO:0033204, OMIM 617577.
Spermatogenic failure 18. Identifiers: MedGen C4539783, MONDO:0054615, OMIM 617576.

Allele frequency attached by ClinVar (database versions not stated): gnomAD 0.00001; TOPMed 0.00002.
gnomAD v4.1: 8 of 1,554,400 alleles (0.00051%); highest among the groups gnomAD compares: African/African-American, 0.0014%; no homozygotes.

Submission:

Labcorp Genetics (formerly Invitae), Labcorp
Classification: Uncertain significance for Ciliary dyskinesia, primary, 37; Spermatogenic failure 18. Last evaluated: 2020-02-17. Review status: criteria provided, single submitter. Criteria: Invitae Variant Classification Sherloc (09022015). Collection method: clinical testing. Allele origin: germline.
Comment: This variant is not present in population databases (ExAC no frequency). This sequence change replaces threonine with methionine at codon 3192 of the DNAH1 protein (p.Thr3192Met). The threonine residue is moderately conserved and there is a moderate physicochemical difference between threonine and methionine. This variant has not been reported in the literature in individuals with DNAH1-related conditions. Algorithms developed to predict the effect of missense changes on protein structure and function are either unavailable or do not agree on the potential impact of this missense change (SIFT: "Deleterious"; PolyPhen-2: "Possibly Damaging"; Align-GVGD: "Class C0"). In summary, the available evidence is currently insufficient to determine the role of this variant in disease. Therefore, it has been classified as a Variant of Uncertain Significance.

NM_015512.5(DNAH1):c.9575C>T (p.Thr3192Met)

Gene: DNAH1 (dynein axonemal heavy chain 1; plus strand). Cytogenetic location: 3p21.1.
Variant type: single nucleotide variant.
Coding change: c.9575C>T on transcript NM_015512.5 (MANE Select); coding-DNA position 9575, C replaced by T.
Protein change: p.Thr3192Met; replaces threonine 3192 with methionine.
Molecular consequence: missense variant.
Genome position (GRCh38, 1-based): chr3:52,389,540, C>T. VCF-style: chr3-52389540-C-T. GRCh37 (hg19) VCF-style: chr3-52423556-C-T.
Other names: short protein forms T3192M.
Identifiers: ClinVar variation 1001874 (VCV001001874.5), dbSNP rs538855437, ClinGen allele CA74779216.
Genomic context (GRCh38, chr3:52,389,540, plus strand): 5'-TCTACGACAGCTGGGTCAAGCAGCTCAGGAGCCACAATGTCCCACACACCTCCGAGCCCA[C>T]GCTAATCGGGACGCTGGGGAACCCTGTGAAGATCCGATCGTGGCAGGTGCCCACCCCAGG-3'
Protein context (NP_056327.4, residues 3182-3202): SHNVPHTSEP[Thr3192Met]LIGTLGNPVK